The following is an entry in ClinVar:

NM_030665.4(RAI1):c.4250A>G (p.Lys1417Arg)

Gene: RAI1 (retinoic acid induced 1; plus strand). Cytogenetic location: 17p11.2.
Variant type: single nucleotide variant.
Coding change: c.4250A>G on transcript NM_030665.4 (MANE Select); coding-DNA position 4250, A replaced by G.
Protein change: p.Lys1417Arg; replaces lysine 1417 with arginine.
Molecular consequence: missense variant.
Genome position (GRCh38, 1-based): chr17:17,797,198, A>G. VCF-style: chr17-17797198-A-G. GRCh37 (hg19) VCF-style: chr17-17700512-A-G.
Other names: short protein forms K1417R.
Identifiers: ClinVar variation 196537 (VCV000196537.10), dbSNP rs772449638, ClinGen allele CA243520.
Genomic context (GRCh38, chr17:17,797,198, plus strand): 5'-ATCCGTTATGCAGAAATCCAACCAACAGATCCTTAAAAGGCAAACTCATGAACAGTAAGA[A>G]ACTGTCTTCTACTGACTGTTTCAAAACCGAGGCCTTCACATCCCCGGAGGCCCTGCAGCC-3'
Protein context (NP_109590.3, residues 1407-1427): SLKGKLMNSK[Lys1417Arg]LSSTDCFKTE

ClinVar aggregate classification (germline): Uncertain significance. Review status: criteria provided, multiple submitters, no conflicts (2 of 4 stars). 2 submissions from 2 submitters: Uncertain significance (2). Last evaluated 2025-10-06.

Allele frequency attached by ClinVar (database versions not stated): TOPMed below 0.00001; ExAC 0.00001; gnomAD 0.00001; gnomAD exomes 0.00002.
gnomAD v4.1: 15 of 1,613,732 alleles (0.00093%); highest among the groups gnomAD compares: Middle Eastern, 0.082%; no homozygotes.

Submissions (2):

Labcorp Genetics (formerly Invitae), Labcorp
Classification: Uncertain significance. Last evaluated: 2025-10-06. Review status: criteria provided, single submitter. Criteria: Invitae Variant Classification Sherloc (09022015). Collection method: clinical testing. Allele origin: germline.
Comment: This sequence change replaces lysine, which is basic and polar, with arginine, which is basic and polar, at codon 1417 of the RAI1 protein (p.Lys1417Arg). The frequency data for this variant in the population databases is considered unreliable, as metrics indicate poor data quality at this position in the gnomAD database. This variant has not been reported in the literature in individuals affected with RAI1-related conditions. ClinVar contains an entry for this variant (Variation ID: 196537). Invitae Evidence Modeling of protein sequence and biophysical properties (such as structural, functional, and spatial information, amino acid conservation, physicochemical variation, residue mobility, and thermodynamic stability) indicates that this missense variant is not expected to disrupt RAI1 protein function with a negative predictive value of 80%. In summary, the available evidence is currently insufficient to determine the role of this variant in disease. Therefore, it has been classified as a Variant of Uncertain Significance.

Eurofins Ntd Llc (ga)
Classification: Uncertain significance. Last evaluated: 2015-02-25. Review status: criteria provided, single submitter. Criteria: EGL Classification Definitions 2015. Collection method: clinical testing. Allele origin: germline. Observed: 1 variant allele, 1 heterozygote.